The following is an entry in ClinVar:

NM_018896.5(CACNA1G):c.1765G>T (p.Val589Leu)

Gene: CACNA1G (calcium voltage-gated channel subunit alpha1 G; plus strand). Cytogenetic location: 17q21.33.
Variant type: single nucleotide variant.
Coding change: c.1765G>T on transcript NM_018896.5 (MANE Select); coding-DNA position 1765, G replaced by T.
Protein change: p.Val589Leu; replaces valine 589 with leucine.
Molecular consequence: missense variant. On other transcripts: non-coding transcript variant (5).
Genome position (GRCh38, 1-based): chr17:50,576,167, G>T. VCF-style: chr17-50576167-G-T. GRCh37 (hg19) VCF-style: chr17-48653528-G-T.
Other names: c.1765G>T, p.Val589Leu (NM_001256326.2, NM_001256327.2, NM_001256328.2 and 24 more transcripts); short protein forms V589L.
Identifiers: ClinVar variation 3026732 (VCV003026732.22), dbSNP rs2544874041, ClinGen allele CA400239060.

ClinVar aggregate classification (germline): Uncertain significance (1 of 4 stars; one submission).

Submission:

CeGaT Center for Human Genetics Tuebingen
Classification: Uncertain significance. Last evaluated: 2024-01-01. Review status: criteria provided, single submitter. Criteria: CeGaT Center For Human Genetics Tuebingen Variant Classification Criteria Version 2. Collection method: clinical testing. Allele origin: germline. Affected: yes. Observed: 1 variant allele.
Comment: CACNA1G: PM2